The following is an entry in ClinVar:

ClinVar aggregate classification (germline): Benign (1 of 4 stars; one submission).

Conditions:
MELAS syndrome (MELAS). Also called: Juvenile myopathy, encephalopathy, lactic acidosis, stroke. Identifiers: Orphanet 550, MedGen C0162671, MONDO:0010789, OMIM 540000.

Submission:

Wong Mito Lab, Molecular and Human Genetics, Baylor College of Medicine
Classification: Benign for MELAS syndrome. Last evaluated: 2019-07-12. Review status: criteria provided, single submitter. Criteria: Modified ACMG Guidelines (Unpublished). Collection method: clinical testing. Allele origin: germline.
Comment: The NC_012920.1:m.5715A>G variant in MT-TN gene is interpreted to be a Benign variant based on the modified ACMG guidelines (unpublished). This variant meets the following evidence codes reported in the guidelines: BS1, BS2, BP4

Literature cited by the submitters: PubMed 31965079.

NC_012920.1(MT-TN):m.5715A>G

Gene: MT-TN (mitochondrially encoded tRNA asparagine; minus strand).
Variant type: single nucleotide variant.
Genome position: chrM-5715-A-G.
Identifiers: ClinVar variation 689980 (VCV000689980.1), dbSNP rs1603220096, ClinGen allele CA913180328.